The following is an entry in ClinVar:

NM_144991.3(TSPEAR):c.794C>T (p.Thr265Ile)

Gene: TSPEAR (thrombospondin type laminin G domain and EAR repeats; minus strand). Cytogenetic location: 21q22.3.
Variant type: single nucleotide variant.
Coding change: c.794C>T on transcript NM_144991.3 (MANE Select); coding-DNA position 794, C replaced by T.
Protein change: p.Thr265Ile; replaces threonine 265 with isoleucine.
Molecular consequence: missense variant.
Genome position (GRCh38, 1-based): chr21:44,528,580, G>A on the plus strand (C>T on the coding strand, the complement: TSPEAR is on the minus strand). VCF-style: chr21-44528580-G-A. GRCh37 (hg19) VCF-style: chr21-45948463-G-A.
Other names: c.590C>T, p.Thr197Ile (NM_001272037.2); short protein forms T197I, T265I.
Identifiers: ClinVar variation 3370204 (VCV003370204.2).

ClinVar aggregate classification (germline): Uncertain significance (1 of 4 stars; one submission).

gnomAD v4.1: 59 of 1,613,578 alleles (0.0037%); highest among the groups gnomAD compares: Non-Finnish European, 0.0047%; no homozygotes.

Submission:

GeneDx
Classification: Uncertain significance. Last evaluated: 2025-01-27. Review status: criteria provided, single submitter. Criteria: GeneDx Variant Classification Process June 2021. Collection method: clinical testing. Allele origin: germline.
Comment: In silico analysis indicates that this missense variant does not alter protein structure/function; Has not been previously published as pathogenic or benign to our knowledge